The following is an entry in ClinVar:

NM_000352.6(ABCC8):c.2241A>G (p.Ile747Met)

Gene: ABCC8 (ATP binding cassette subfamily C member 8; minus strand). Cytogenetic location: 11p15.1.
Variant type: single nucleotide variant.
Coding change: c.2241A>G on transcript NM_000352.6 (MANE Select); coding-DNA position 2241, A replaced by G.
Protein change: p.Ile747Met; replaces isoleucine 747 with methionine.
Molecular consequence: missense variant. On other transcripts: non-coding transcript variant (1).
Genome position (GRCh38, 1-based): chr11:17,416,944, T>C on the plus strand (A>G on the coding strand, the complement: ABCC8 is on the minus strand). VCF-style: chr11-17416944-T-C. GRCh37 (hg19) VCF-style: chr11-17438491-T-C.
Other names: c.2244A>G, p.Ile748Met (NM_001287174.3); c.2307A>G, p.Ile769Met (NM_001351295.2); c.2241A>G, p.Ile747Met (NM_001351296.2); c.2238A>G, p.Ile746Met (NM_001351297.2); short protein forms I747M, I748M, I746M, I769M.
Identifiers: ClinVar variation 4980063 (VCV004980063.1).

ClinVar aggregate classification (germline): Uncertain significance (1 of 4 stars; one submission).

Conditions:
ABCC8-related disorder.

gnomAD v4.1: 17 of 1,581,108 alleles (0.0011%); highest among the groups gnomAD compares: Non-Finnish European, 0.0015%; no homozygotes.

Submission:

PreventionGenetics, part of Exact Sciences
Classification: Uncertain significance for ABCC8-related condition. Last evaluated: 2025-04-23. Review status: criteria provided, single submitter. Criteria: ACMG Guidelines, 2015. Collection method: clinical testing. Allele origin: germline.
Comment: The ABCC8 c.2241A>G variant is predicted to result in the amino acid substitution p.Ile747Met. To our knowledge, this variant has not been reported in the literature. This variant is reported in 0.0065% of alleles in individuals of European (Non-Finnish) descent in gnomAD. At this time, the clinical significance of this variant is uncertain due to the absence of conclusive functional and genetic evidence.